The following is an entry in ClinVar:

ClinVar aggregate classification (germline): Likely benign. Review status: criteria provided, multiple submitters, no conflicts (2 of 4 stars). 2 submissions from 2 submitters: Likely benign (2). Last evaluated 2025-01-21.

Conditions:
CDAN1-related disorder. Also called: CDAN1-related condition.

gnomAD v4.1: 2 of 1,613,440 alleles (0.00012%); highest among the groups gnomAD compares: Non-Finnish European, 0.00017%; no homozygotes.

Submissions (2):

PreventionGenetics, part of Exact Sciences
Classification: Likely benign for CDAN1-related condition. Last evaluated: 2025-01-21. Review status: criteria provided, single submitter. Criteria: ACMG Guidelines, 2015. Collection method: clinical testing. Allele origin: germline.
Comment: This variant is classified as likely benign based on ACMG/AMP sequence variant interpretation guidelines (Richards et al. 2015 PMID: 25741868, with internal and published modifications).

Labcorp Genetics (formerly Invitae), Labcorp
Classification: Likely benign. Last evaluated: 2024-08-30. Review status: criteria provided, single submitter. Criteria: Invitae Variant Classification Sherloc (09022015). Collection method: clinical testing. Allele origin: germline.

NM_138477.4(CDAN1):c.569+10A>C

Gene: CDAN1 (codanin 1; minus strand). Cytogenetic location: 15q15.2.
Variant type: single nucleotide variant.
Coding change: c.569+10A>C on transcript NM_138477.4 (MANE Select); 10 bases into the intron after coding-DNA position 569, A replaced by C.
Molecular consequence: intron variant.
Genome position (GRCh38, 1-based): chr15:42,736,292, T>G on the plus strand (A>C on the coding strand, the complement: CDAN1 is on the minus strand). VCF-style: chr15-42736292-T-G. GRCh37 (hg19) VCF-style: chr15-43028490-T-G.
Other names: c.569+10A>C (NM_138477.2).
Identifiers: ClinVar variation 3718230 (VCV003718230.3).
Genomic context (GRCh38, chr15:42,736,292, plus strand): 5'-GCCGAGCTCGAATGACTGACTCCCCAGAGCCTTCGTGGTACCCATCTCCTGCATGAGAGC[T>G]GAGTCTCACCCTGTAGGGCCGGGGGGAACCGAGCCTACGGGAGGGAACTCCTCCAGGTTG-3'